The following is an entry in ClinVar:

ClinVar aggregate classification (germline): Uncertain significance. Review status: criteria provided, multiple submitters, no conflicts (2 of 4 stars). 4 submissions from 4 submitters: Uncertain significance (3). 1 of the submissions does not count toward it. Last evaluated 2025-11-10.

Conditions:
Hereditary cancer-predisposing syndrome. Also called: Neoplastic Syndromes, Hereditary; Hereditary Cancer Syndrome; Tumor predisposition; Hereditary neoplastic syndrome. Identifiers: Orphanet 140162, MedGen C0027672, MeSH D009386, MONDO:0015356.
Ataxia-telangiectasia syndrome (AT). Also called: LOUIS-BAR SYNDROME; Cerebello-oculocutaneous telangiectasia; Immunodeficiency with ataxia telangiectasia; Ataxia-telangiectasia, complementation group D; AT, COMPLEMENTATION GROUP C; Ataxia-telangiectasia, complementation group E. Identifiers: Orphanet 100, MedGen C0004135, MONDO:0008840, OMIM 208900.

Submissions (4):

Labcorp Genetics (formerly Invitae), Labcorp
Classification: Uncertain significance for Ataxia-telangiectasia syndrome. Last evaluated: 2025-11-10. Review status: criteria provided, single submitter. Criteria: Invitae Variant Classification Sherloc (09022015). Collection method: clinical testing. Allele origin: germline.
Comment: This sequence change replaces phenylalanine, which is neutral and non-polar, with leucine, which is neutral and non-polar, at codon 2299 of the ATM protein (p.Phe2299Leu). This variant is not present in population databases (gnomAD no frequency). This variant has not been reported in the literature in individuals affected with ATM-related conditions. ClinVar contains an entry for this variant (Variation ID: 453646). Invitae Evidence Modeling of protein sequence and biophysical properties (such as structural, functional, and spatial information, amino acid conservation, physicochemical variation, residue mobility, and thermodynamic stability) indicates that this missense variant is not expected to disrupt ATM protein function with a negative predictive value of 95%. In summary, the available evidence is currently insufficient to determine the role of this variant in disease. Therefore, it has been classified as a Variant of Uncertain Significance.

Center for Genomic Medicine, Rigshospitalet, Copenhagen University Hospital
Classification: Uncertain significance. Last evaluated: 2025-03-04. Review status: criteria provided, single submitter. Criteria: ACMG Guidelines, 2015. Collection method: clinical testing. Allele origin: germline.

Ambry Genetics
Classification: Uncertain significance for Hereditary cancer-predisposing syndrome. Last evaluated: 2024-12-12. Review status: criteria provided, single submitter. Criteria: Ambry Variant Classification Scheme 2023. Collection method: clinical testing. Allele origin: germline.
Comment: The p.F2299L variant (also known as c.6895T>C), located in coding exon 46 of the ATM gene, results from a T to C substitution at nucleotide position 6895. The phenylalanine at codon 2299 is replaced by leucine, an amino acid with highly similar properties. This amino acid position is highly conserved in available vertebrate species. In addition, the in silico prediction for this alteration is inconclusive. Based on the available evidence, the clinical significance of this variant remains unclear.

Counsyl
Classification: Uncertain significance for Ataxia-telangiectasia syndrome. Last evaluated: 2018-03-14. Review status: no assertion criteria provided. Collection method: clinical testing. Allele origin: unknown. Not counted in ClinVar's aggregate classification.

NM_000051.4(ATM):c.6895T>C (p.Phe2299Leu)

Genes: C11orf65 (chromosome 11 open reading frame 65; minus strand), ATM (ATM serine/threonine kinase; plus strand). Cytogenetic location: 11q22.3.
Variant type: single nucleotide variant.
Coding change: c.6895T>C on transcript NM_000051.4 (MANE Select); coding-DNA position 6895, T replaced by C.
Protein change: p.Phe2299Leu; replaces phenylalanine 2299 with leucine.
Molecular consequence: missense variant. On other transcripts: intron variant (2).
Genome position (GRCh38, 1-based): chr11:108,326,145, T>C. VCF-style: chr11-108326145-T-C. GRCh37 (hg19) VCF-style: chr11-108196872-T-C.
Other names: c.6895T>C, p.Phe2299Leu (NM_001351834.2); c.641-17074A>G (NM_001330368.2); c.*38+9075A>G (NM_001351110.2); short protein forms F2299L.
Identifiers: ClinVar variation 453646 (VCV000453646.14), dbSNP rs1555119886, ClinGen allele CA382556911.